The following is an entry in ClinVar:

NM_001374353.1(GLI2):c.4504G>A (p.Gly1502Ser)

Gene: GLI2 (GLI family zinc finger 2; plus strand). Cytogenetic location: 2q14.2.
Variant type: single nucleotide variant.
Coding change: c.4504G>A on transcript NM_001374353.1 (MANE Select); coding-DNA position 4504, G replaced by A.
Protein change: p.Gly1502Ser; replaces glycine 1502 with serine.
Molecular consequence: missense variant.
Genome position (GRCh38, 1-based): chr2:120,990,469, G>A. VCF-style: chr2-120990469-G-A. GRCh37 (hg19) VCF-style: chr2-121748045-G-A.
Other names: c.4555G>A, p.Gly1519Ser (NM_001371271.1, NM_005270.5); c.4129G>A, p.Gly1377Ser (NM_001374354.1); short protein forms G1377S, G1519S, G1502S.
Identifiers: ClinVar variation 2193004 (VCV002193004.4), dbSNP rs565831399, ClinGen allele CA1852647.

ClinVar aggregate classification (germline): Uncertain significance (1 of 4 stars; one submission).

Conditions:
Postaxial polydactyly-anterior pituitary anomalies-facial dysmorphism syndrome. Also called: Culler-Jones syndrome. Identifiers: Orphanet 420584, MedGen C4014479, MONDO:0014369, OMIM 615849.
Holoprosencephaly 9 (HPE9). Also called: PITUITARY ANOMALIES WITH HOLOPROSENCEPHALY-LIKE FEATURES; HOLOPROSENCEPHALY WITH MICROPHTHALMIA AND FIRST BRANCHIAL ARCH ANOMALIES. Identifiers: Orphanet 2162, MedGen C1835819, MONDO:0012563, OMIM 610829.

Allele frequency attached by ClinVar (database versions not stated): TOPMed below 0.00001; gnomAD exomes 0.00001; ExAC 0.00002; 1000 Genomes Project 0.00020; 1000 Genomes Project 30x 0.00031.
gnomAD v4.1: 10 of 1,613,980 alleles (0.00062%); highest among the groups gnomAD compares: South Asian, 0.0088%; no homozygotes.

Submission:

Labcorp Genetics (formerly Invitae), Labcorp
Classification: Uncertain significance for Postaxial polydactyly-anterior pituitary anomalies-facial dysmorphism syndrome; Holoprosencephaly 9. Last evaluated: 2023-10-03. Review status: criteria provided, single submitter. Criteria: Invitae Variant Classification Sherloc (09022015). Collection method: clinical testing. Allele origin: germline.
Comment: This sequence change replaces glycine, which is neutral and non-polar, with serine, which is neutral and polar, at codon 1519 of the GLI2 protein (p.Gly1519Ser). This variant is present in population databases (rs565831399, gnomAD 0.02%). This variant has not been reported in the literature in individuals affected with GLI2-related conditions. ClinVar contains an entry for this variant (Variation ID: 2193004). Advanced modeling of protein sequence and biophysical properties (such as structural, functional, and spatial information, amino acid conservation, physicochemical variation, residue mobility, and thermodynamic stability) performed at Invitae indicates that this missense variant is not expected to disrupt GLI2 protein function. In summary, the available evidence is currently insufficient to determine the role of this variant in disease. Therefore, it has been classified as a Variant of Uncertain Significance.